The following is an entry in ClinVar:

ClinVar aggregate classification (germline): Pathogenic (1 of 4 stars; one submission).

Conditions:
Pheochromocytoma/paraganglioma syndrome 5. Also called: Paragangliomas 5; SDHA-Related Hereditary Paraganglioma-Pheochromocytoma Syndrome. Identifiers: Orphanet 29072, MedGen C3279992, MONDO:0013602, OMIM 614165.
Mitochondrial complex II deficiency, nuclear type 1. Also called: SUCCINATE CoQ REDUCTASE DEFICIENCY. Identifiers: Orphanet 3208, MedGen C5700310, MONDO:0100294, OMIM 252011.

Submission:

Labcorp Genetics (formerly Invitae), Labcorp
Classification: Pathogenic for Pheochromocytoma/paraganglioma syndrome 5; Mitochondrial complex II deficiency, nuclear type 1. Last evaluated: 2022-09-01. Review status: criteria provided, single submitter. Criteria: Invitae Variant Classification Sherloc (09022015). Collection method: clinical testing. Allele origin: germline.
Comment: For these reasons, this variant has been classified as Pathogenic. ClinVar contains an entry for this variant (Variation ID: 644096). This variant has not been reported in the literature in individuals affected with SDHA-related conditions. This variant is not present in population databases (gnomAD no frequency). This sequence change creates a premature translational stop signal (p.Ser2*) in the SDHA gene. It is expected to result in an absent or disrupted protein product. Loss-of-function variants in SDHA are known to be pathogenic (PMID: 22974104, 24781757).

Literature cited by the submitters: PubMed 22974104; PubMed 24781757.

NM_004168.4(SDHA):c.5C>A (p.Ser2Ter)

Gene: SDHA (succinate dehydrogenase complex flavoprotein subunit A; plus strand). Cytogenetic location: 5p15.33.
Variant type: single nucleotide variant.
Coding change: c.5C>A on transcript NM_004168.4 (MANE Select); coding-DNA position 5, C replaced by A.
Protein change: p.Ser2Ter; replaces serine 2 with a stop codon.
Molecular consequence: nonsense.
Genome position (GRCh38, 1-based): chr5:218,360, C>A. VCF-style: chr5-218360-C-A. GRCh37 (hg19) VCF-style: chr5-218475-C-A.
Other names: c.5C>A, p.Ser2Ter (NM_001294332.2, NM_001330758.2); short protein forms S2*.
Identifiers: ClinVar variation 644096 (VCV000644096.7), dbSNP rs780064103, ClinGen allele CA359007241.